The following is an entry in ClinVar:

ClinVar aggregate classification (germline): Uncertain significance (1 of 4 stars; one submission).

Allele frequency attached by ClinVar (database versions not stated): gnomAD exomes below 0.00001.
gnomAD v4.1: 1 of 1,614,040 alleles (0.000062%); highest among the groups gnomAD compares: East Asian, 0.0022%; no homozygotes.

Submission:

Labcorp Genetics (formerly Invitae), Labcorp
Classification: Uncertain significance. Last evaluated: 2022-08-16. Review status: criteria provided, single submitter. Criteria: Invitae Variant Classification Sherloc (09022015). Collection method: clinical testing. Allele origin: germline.
Comment: This variant has not been reported in the literature in individuals affected with MACF1-related conditions. In summary, the available evidence is currently insufficient to determine the role of this variant in disease. Therefore, it has been classified as a Variant of Uncertain Significance. This variant is not present in population databases (gnomAD no frequency). This sequence change creates a premature translational stop signal (p.Arg5370*) in the MACF1 gene. While this is not anticipated to result in nonsense mediated decay, it is expected to disrupt the last 61 amino acid(s) of the MACF1 protein.

NM_001394062.1(MACF1):c.22483C>T (p.Arg7495Ter)

Gene: MACF1 (microtubule actin crosslinking factor 1; plus strand). Cytogenetic location: 1p34.3.
Variant type: single nucleotide variant.
Coding change: c.22483C>T on transcript NM_001394062.1 (MANE Select); coding-DNA position 22483, C replaced by T.
Protein change: p.Arg7495Ter; replaces arginine 7495 with a stop codon.
Molecular consequence: nonsense.
Genome position (GRCh38, 1-based): chr1:39,485,609, C>T. VCF-style: chr1-39485609-C-T. GRCh37 (hg19) VCF-style: chr1-39951281-C-T.
Other names: c.10363C>T, p.Arg3455Ter (NM_001397473.1); c.16108C>T, p.Arg5370Ter (NM_012090.5); short protein forms R5370*, R7495*, R3455*.
Identifiers: ClinVar variation 2090152 (VCV002090152.4), dbSNP rs1292773857, ClinGen allele CA339788102.